The following is an entry in ClinVar:

NM_003001.5(SDHC):c.241G>T (p.Gly81Trp)

Gene: SDHC (succinate dehydrogenase complex subunit C; plus strand). Cytogenetic location: 1q23.3.
Variant type: single nucleotide variant.
Coding change: c.241G>T on transcript NM_003001.5 (MANE Select); coding-DNA position 241, G replaced by T.
Protein change: p.Gly81Trp; replaces glycine 81 with tryptophan.
Molecular consequence: missense variant.
Genome position (GRCh38, 1-based): chr1:161,340,655, G>T. VCF-style: chr1-161340655-G-T. GRCh37 (hg19) VCF-style: chr1-161310445-G-T.
Other names: c.241G>T, p.Asp81Tyr (NM_001035511.3); c.139G>T, p.Gly47Trp (NM_001035512.3); c.82G>T, p.Gly28Trp (NM_001035513.3); c.139G>T, p.Asp47Tyr (NM_001278172.3); c.361G>T, p.Gly121Trp (NM_001407115.1); c.184G>T, p.Gly62Trp (NM_001407116.1); c.130G>T, p.Gly44Trp (NM_001407119.1, NM_001407120.1); c.184G>T, p.Asp62Tyr (NM_001407121.1); short protein forms D81Y, G47W, D47Y, G28W, G81W, G121W, G44W, G62W.
Identifiers: ClinVar variation 1391410 (VCV001391410.8), dbSNP rs2102336404, ClinGen allele CA343366148.
Genomic context (GRCh38, chr1:161,340,655, plus strand): 5'-TGGTCTCTTCCCATGGCGATGTCCATCTGCCACCGTGGCACTGGTATTGCTTTGAGTGCA[G>T]GTATGTATATGTGTTTTTACACACACATATGTGCTTCTTTGAAAAACTTGGCTGTTTCAT-3'
Protein context (NP_002992.1, residues 71-91): HRGTGIALSA[Gly81Trp]VSLFGMSALL

ClinVar aggregate classification (germline): Uncertain significance (1 of 4 stars; one submission).

Conditions:
Pheochromocytoma/paraganglioma syndrome 3. Also called: GLOMUS TUMORS, FAMILIAL, 3; Paragangliomas 3; SDHC-Related Hereditary Paraganglioma-Pheochromocytoma Syndrome (Paragangliomas 3); SDHC-Related Hereditary Paraganglioma-Pheochromocytoma Syndrome. Identifiers: Orphanet 29072, MedGen C1854336, MONDO:0011544, OMIM 605373.
Gastrointestinal stromal tumor. Also called: Gastrointestinal stroma tumor; Gastrointestinal stromal tumor, somatic. Identifiers: Orphanet 44890, MedGen C0238198, MeSH D046152, MONDO:0011719, OMIM 606764, HP:0100723.

Submissions (2):

Labcorp Genetics (formerly Invitae), Labcorp
Classification: Uncertain significance for Pheochromocytoma/paraganglioma syndrome 3; Gastrointestinal stromal tumor. Last evaluated: 2021-11-05. Review status: criteria provided, single submitter. Criteria: Invitae Variant Classification Sherloc (09022015). Collection method: clinical testing. Allele origin: germline.
Comment: Variants that disrupt the consensus splice site are a relatively common cause of aberrant splicing (PMID: 17576681, 9536098). Algorithms developed to predict the effect of sequence changes on RNA splicing suggest that this variant may disrupt the consensus splice site. This sequence change replaces glycine, which is neutral and non-polar, with tryptophan, which is neutral and slightly polar, at codon 81 of the SDHC protein (p.Gly81Trp). This variant also falls at the last nucleotide of exon 4, which is part of the consensus splice site for this exon. This variant is not present in population databases (gnomAD no frequency). This variant has not been reported in the literature in individuals affected with SDHC-related conditions. Algorithms developed to predict the effect of missense changes on protein structure and function are either unavailable or do not agree on the potential impact of this missense change (SIFT: "Tolerated"; PolyPhen-2: "Probably Damaging"; Align-GVGD: "Class C0"). In summary, the available evidence is currently insufficient to determine the role of this variant in disease. Therefore, it has been classified as a Variant of Uncertain Significance.

Dr. Peter K. Rogan Lab, Western University
No classification provided (evidence only). Condition: Malignant tumor of urinary bladder. Review status: no classification provided. Collection method: in vitro. Allele origin: not applicable. Functional consequence: retained intron. Not counted in ClinVar's aggregate classification.

Literature cited by the submitters: PubMed 17576681 (cited by Labcorp Genetics (formerly Invitae), Labcorp); PubMed 9536098 (cited by Labcorp Genetics (formerly Invitae), Labcorp).